The following is an entry in ClinVar:

ClinVar aggregate classification (germline): Uncertain significance (1 of 4 stars; one submission).

Conditions:
KSR2-related disorder. Also called: KSR2-related condition.

gnomAD v4.1: 21 of 1,613,770 alleles (0.0013%); highest among the groups gnomAD compares: Non-Finnish European, 0.0017%; no homozygotes.

Submission:

PreventionGenetics, part of Exact Sciences
Classification: Uncertain significance for KSR2-related condition. Last evaluated: 2025-12-16. Review status: criteria provided, single submitter. Criteria: ACMG Guidelines, 2015. Collection method: clinical testing. Allele origin: germline.
Comment: The KSR2 c.2302G>A variant is predicted to result in the amino acid substitution p.Gly768Ser. To our knowledge, this variant has not been reported in the literature. Statistical evidence in gnomAD suggests the KSR2 gene is intolerant of missense variation. This variant is reported in 0.0046% of alleles in individuals of European (Finnish) descent in gnomAD. At this time, the clinical significance of this variant is uncertain due to the absence of conclusive functional and genetic evidence.

NM_173598.6(KSR2):c.2389G>A (p.Gly797Ser)

Gene: KSR2 (kinase suppressor of ras 2; minus strand). Cytogenetic location: 12q24.22.
Variant type: single nucleotide variant.
Coding change: c.2389G>A on transcript NM_173598.6 (MANE Select); coding-DNA position 2389, G replaced by A.
Protein change: p.Gly797Ser; replaces glycine 797 with serine.
Molecular consequence: missense variant.
Genome position (GRCh38, 1-based): chr12:117,484,477, C>T on the plus strand (G>A on the coding strand, the complement: KSR2 is on the minus strand). VCF-style: chr12-117484477-C-T. GRCh37 (hg19) VCF-style: chr12-117922282-C-T.
Other names: short protein forms G797S.
Identifiers: ClinVar variation 3352084 (VCV003352084.2).